The following is an entry in ClinVar:

ClinVar aggregate classification (germline): Uncertain significance (1 of 4 stars; one submission).

gnomAD v4.1: 4 of 1,598,952 alleles (0.00025%); highest among the groups gnomAD compares: African/African-American, 0.0027%; no homozygotes.

Submission:

Women's Health and Genetics/Laboratory Corporation of America, LabCorp
Classification: Uncertain significance. Last evaluated: 2025-11-14. Review status: criteria provided, single submitter. Criteria: LabCorp Variant Classification Summary - May 2015. Collection method: clinical testing. Allele origin: germline.
Comment: Variant summary: NOVA2 c.93C>T results in a synonymous change. Several computational tools predict a significant impact on normal splicing: Four predict the variant no significant impact on splicing. Three predict the variant creates a 5' donor site. One predict the variant strengthens a cryptic 5' donor site. However, these predictions have yet to be confirmed by functional studies. The frequency data for this variant in gnomAD is considered unreliable, as metrics indicate poor data quality at this position. To our knowledge, no occurrence of c.93C>T in individuals affected with NOVA2-related conditions and no experimental evidence demonstrating its impact on protein function have been reported. No submitters have cited clinical-significance assessments for this variant to ClinVar. Based on the evidence outlined above, the variant was classified as uncertain significance.

NM_002516.4(NOVA2):c.93C>T (p.Gly31=)

Gene: NOVA2 (NOVA alternative splicing regulator 2; minus strand). Cytogenetic location: 19q13.32.
Variant type: single nucleotide variant.
Coding change: c.93C>T on transcript NM_002516.4 (MANE Select); coding-DNA position 93, C replaced by T.
Protein change: p.Gly31=; no amino-acid change (glycine 31 retained).
Molecular consequence: synonymous variant.
Genome position (GRCh38, 1-based): chr19:45,961,146, G>A on the plus strand (C>T on the coding strand, the complement: NOVA2 is on the minus strand). VCF-style: chr19-45961146-G-A. GRCh37 (hg19) VCF-style: chr19-46464404-G-A.
Identifiers: ClinVar variation 4536711 (VCV004536711.1).